The following is an entry in ClinVar:

ClinVar aggregate classification (germline): Uncertain significance. Review status: criteria provided, multiple submitters, no conflicts (2 of 4 stars). 2 submissions from 2 submitters: Uncertain significance (2). Last evaluated 2024-12-17.

Allele frequency attached by ClinVar (database versions not stated): gnomAD exomes below 0.00001.
gnomAD v4.1: 4 of 1,613,918 alleles (0.00025%); highest among the groups gnomAD compares: Non-Finnish European, 0.00034%; no homozygotes.

Submissions (2):

Women's Health and Genetics/Laboratory Corporation of America, LabCorp
Classification: Uncertain significance. Last evaluated: 2024-12-17. Review status: criteria provided, single submitter. Criteria: LabCorp Variant Classification Summary - May 2015. Collection method: clinical testing. Allele origin: germline.
Comment: Variant summary: CFTR c.7A>T (p.Arg3Trp) results in a non-conservative amino acid change in the encoded protein sequence. Four of four in-silico tools predict a damaging effect of the variant on protein function. The variant was absent in 251158 control chromosomes. The available data on variant occurrences in the general population are insufficient to allow any conclusion about variant significance. c.7A>T has been reported in the literature in cis with c.4C>T (p.Gln2*) in at least one individual affected with Cystic Fibrosis (Savov_1994, Savov_2995), and has been reported in a newborn screening cohort (Bozdogan_2021). These report(s) do not provide unequivocal conclusions about association of the variant with Cystic Fibrosis. To our knowledge, no experimental evidence demonstrating an impact on protein function has been reported. The following publications have been ascertained in the context of this evaluation (PMID: 33572515, 7512860, 8528204). ClinVar contains an entry for this variant (Variation ID: 1325700). Based on the evidence outlined above, the variant was classified as uncertain significance.

GeneDx
Classification: Uncertain significance. Last evaluated: 2024-01-08. Review status: criteria provided, single submitter. Criteria: GeneDx Variant Classification Process June 2021. Collection method: clinical testing. Allele origin: germline. Affected: yes.
Comment: Identified, phase unknown, with another CFTR variant in an individual reported to have cystic fibrosis (PMID: 7512860); In silico analysis supports that this missense variant has a deleterious effect on protein structure/function; Not observed at significant frequency in large population cohorts (gnomAD); This variant is associated with the following publications: (PMID: 34426522, 7512860)

Literature cited by the submitters: PubMed 7512860 (cited by Women's Health and Genetics/Laboratory Corporation of America, LabCorp); PubMed 8528204 (cited by Women's Health and Genetics/Laboratory Corporation of America, LabCorp); PubMed 33572515 (cited by Women's Health and Genetics/Laboratory Corporation of America, LabCorp).

NM_000492.4(CFTR):c.7A>T (p.Arg3Trp)

Gene: CFTR (CF transmembrane conductance regulator; plus strand). Cytogenetic location: 7q31.2.
Variant type: single nucleotide variant.
Coding change: c.7A>T on transcript NM_000492.4 (MANE Select); coding-DNA position 7, A replaced by T.
Protein change: p.Arg3Trp; replaces arginine 3 with tryptophan.
Molecular consequence: missense variant.
Genome position (GRCh38, 1-based): chr7:117,480,101, A>T. VCF-style: chr7-117480101-A-T. GRCh37 (hg19) VCF-style: chr7-117120155-A-T.
Other names: short protein forms R3W.
Identifiers: ClinVar variation 1325700 (VCV001325700.3), dbSNP rs2116604544.